The following is an entry in ClinVar:

ClinVar aggregate classification (germline): Conflicting classifications of pathogenicity. Review status: criteria provided, conflicting classifications (1 of 4 stars). 2 submissions from 2 submitters: Uncertain significance (1); Likely benign (1). Last evaluated 2024-02-16.

Conditions:
Hereditary cancer-predisposing syndrome. Also called: Neoplastic Syndromes, Hereditary; Hereditary Cancer Syndrome; Tumor predisposition; Hereditary neoplastic syndrome. Identifiers: Orphanet 140162, MedGen C0027672, MeSH D009386, MONDO:0015356.
Familial cancer of breast. Also called: BREAST CANCER, FAMILIAL; hereditary breast carcinoma; Hereditary breast cancer. Identifiers: Orphanet 227535, MedGen C0346153, MONDO:0016419, OMIM 114480. Disease mechanism: loss of function.
Fanconi anemia complementation group J. Also called: BRIP1-Related Fanconi Anemia. Identifiers: Orphanet 84, MedGen C1836860, MONDO:0012187, OMIM 609054.

Allele frequency attached by ClinVar (database versions not stated): gnomAD exomes below 0.00001.
gnomAD v4.1: 1 of 1,614,162 alleles (0.000062%); highest among the groups gnomAD compares: Non-Finnish European, 0.000085%; no homozygotes.

Submissions (2):

Labcorp Genetics (formerly Invitae), Labcorp
Classification: Uncertain significance for Familial cancer of breast; Fanconi anemia complementation group J. Last evaluated: 2024-02-16. Review status: criteria provided, single submitter. Criteria: Invitae Variant Classification Sherloc (09022015). Collection method: clinical testing. Allele origin: germline.
Comment: This sequence change replaces asparagine, which is neutral and polar, with serine, which is neutral and polar, at codon 1057 of the BRIP1 protein (p.Asn1057Ser). This variant is not present in population databases (gnomAD no frequency). This variant has not been reported in the literature in individuals affected with BRIP1-related conditions. ClinVar contains an entry for this variant (Variation ID: 2564578). Algorithms developed to predict the effect of missense changes on protein structure and function output the following: SIFT: "Not Available"; PolyPhen-2: "Benign"; Align-GVGD: "Not Available". The serine amino acid residue is found in multiple mammalian species, which suggests that this missense change does not adversely affect protein function. In summary, the available evidence is currently insufficient to determine the role of this variant in disease. Therefore, it has been classified as a Variant of Uncertain Significance.

Ambry Genetics
Classification: Likely benign for Hereditary cancer-predisposing syndrome. Last evaluated: 2023-03-22. Review status: criteria provided, single submitter. Criteria: Ambry Variant Classification Scheme 2023. Collection method: clinical testing. Allele origin: germline.

NM_032043.3(BRIP1):c.3170A>G (p.Asn1057Ser)

Gene: BRIP1 (BRCA1 interacting DNA helicase 1; minus strand). Cytogenetic location: 17q23.2.
Variant type: single nucleotide variant.
Coding change: c.3170A>G on transcript NM_032043.3 (MANE Select); coding-DNA position 3170, A replaced by G.
Protein change: p.Asn1057Ser; replaces asparagine 1057 with serine.
Molecular consequence: missense variant.
Genome position (GRCh38, 1-based): chr17:61,683,876, T>C on the plus strand (A>G on the coding strand, the complement: BRIP1 is on the minus strand). VCF-style: chr17-61683876-T-C. GRCh37 (hg19) VCF-style: chr17-59761237-T-C.
Other names: short protein forms N1057S.
Identifiers: ClinVar variation 2564578 (VCV002564578.4), dbSNP rs951001849, ClinGen allele CA292267466.